The following is an entry in ClinVar:

NM_000260.4(MYO7A):c.3246G>A (p.Thr1082=)

Gene: MYO7A (myosin VIIA; plus strand). Cytogenetic location: 11q13.5.
Variant type: single nucleotide variant.
Coding change: c.3246G>A on transcript NM_000260.4 (MANE Select); coding-DNA position 3246, G replaced by A.
Protein change: p.Thr1082=; no amino-acid change (threonine 1082 retained).
Molecular consequence: synonymous variant.
Genome position (GRCh38, 1-based): chr11:77,182,561, G>A. VCF-style: chr11-77182561-G-A. GRCh37 (hg19) VCF-style: chr11-76893606-G-A.
Other names: c.3246G>A, p.Thr1082= (NM_001127180.2); c.3213G>A, p.Thr1071= (NM_001369365.1).
Identifiers: ClinVar variation 43200 (VCV000043200.23), dbSNP rs35963362, ClinGen allele CA132280.

ClinVar aggregate classification (germline): Conflicting classifications of pathogenicity. Review status: criteria provided, conflicting classifications (1 of 4 stars). 8 submissions from 6 submitters: Uncertain significance (1); Benign (4); Likely benign (2). 1 of the submissions does not count toward it. Last evaluated 2026-02-02.

Conditions:
Usher syndrome type 1 (USH1). Also called: RETINITIS PIGMENTOSA AND CONGENITAL DEAFNESS. Identifiers: Orphanet 231169, Orphanet 886, MedGen C1568247, MONDO:0010168, OMIM 276900.
Autosomal dominant nonsyndromic hearing loss 11. Identifiers: Orphanet 90635, MedGen C1832475, MONDO:0011032, OMIM 601317.
Usher syndrome type 1B (USH1B). Also called: Usher syndrome type IB. Identifiers: MedGen C1848638, MONDO:0700087.
Autosomal recessive nonsyndromic hearing loss 2. Also called: DEAFNESS, AUTOSOMAL RECESSIVE 2; NEUROSENSORY NONSYNDROMIC RECESSIVE DEAFNESS 2. Identifiers: Orphanet 90636, MedGen C1838701, MONDO:0010807, OMIM 600060.

Allele frequency attached by ClinVar (database versions not stated): ExAC 0.00222; 1000 Genomes Project 0.00599; 1000 Genomes Project 30x 0.00625; ESP Exome Variant Server 0.00700; gnomAD 0.00701 and 0.00745; TOPMed 0.00797.
gnomAD v4.1: 2,226 of 1,613,268 alleles (0.14%); highest among the groups gnomAD compares: African/African-American, 2.5%; 24 homozygotes.

Submissions (8):

Labcorp Genetics (formerly Invitae), Labcorp
Classification: Benign. Last evaluated: 2026-02-02. Review status: criteria provided, single submitter. Criteria: Invitae Variant Classification Sherloc (09022015). Collection method: clinical testing. Allele origin: germline.

Blueprint Genetics
Classification: Likely benign. Last evaluated: 2024-11-06. Review status: criteria provided, single submitter. Criteria: ACMG Guidelines, 2015. Collection method: clinical testing. Allele origin: germline.

GeneDx
Classification: Benign. Last evaluated: 2018-07-19. Review status: criteria provided, single submitter. Criteria: GeneDx Variant Classification Process June 2021. Collection method: clinical testing. Allele origin: germline. Affected: yes.

Illumina Laboratory Services, Illumina
Classification: Likely benign for Usher syndrome type 1. Last evaluated: 2018-01-13. Review status: criteria provided, single submitter. Criteria: ICSL Variant Classification Criteria 13 December 2019. Collection method: clinical testing. Allele origin: germline.
Comment: This variant was observed in the ICSL laboratory as part of a predisposition screen in an ostensibly healthy population. It had not been previously curated by ICSL or reported in the Human Gene Mutation Database (HGMD: prior to June 1st, 2018), and was therefore a candidate for classification through an automated scoring system. Utilizing variant allele frequency, disease prevalence and penetrance estimates, and inheritance mode, an automated score was calculated to assess if this variant is too frequent to cause the disease. Based on the score and internal cut-off values, a variant classified as likely benign is not then subjected to further curation. The score for this variant resulted in a classification of likely benign for this disease.

Illumina Laboratory Services, Illumina
Classification: Benign for Autosomal dominant nonsyndromic hearing loss 11. Last evaluated: 2018-01-13. Review status: criteria provided, single submitter. Criteria: ICSL Variant Classification Criteria 13 December 2019. Collection method: clinical testing. Allele origin: germline.
Comment: This variant was observed in the ICSL laboratory as part of a predisposition screen in an ostensibly healthy population. It had not been previously curated by ICSL or reported in the Human Gene Mutation Database (HGMD: prior to June 1st, 2018), and was therefore a candidate for classification through an automated scoring system. Utilizing variant allele frequency, disease prevalence and penetrance estimates, and inheritance mode, an automated score was calculated to assess if this variant is too frequent to cause the disease. Based on the score and internal cut-off values, a variant classified as benign is not then subjected to further curation. The score for this variant resulted in a classification of benign for this disease.

Illumina Laboratory Services, Illumina
Classification: Uncertain significance for Autosomal recessive nonsyndromic hearing loss 2. Last evaluated: 2018-01-13. Review status: criteria provided, single submitter. Criteria: ICSL Variant Classification Criteria 13 December 2019. Collection method: clinical testing. Allele origin: germline.

Laboratory for Molecular Medicine, Mass General Brigham Personalized Medicine
Classification: Benign. Last evaluated: 2009-12-14. Review status: criteria provided, single submitter. Criteria: LMM Criteria. Collection method: clinical testing. Allele origin: germline. Observed: 10 variant alleles.

Natera, Inc.
Classification: Benign for Usher syndrome type 1B. Last evaluated: 2019-12-09. Review status: no assertion criteria provided. Collection method: clinical testing. Allele origin: germline. Not counted in ClinVar's aggregate classification.